The following is an entry in ClinVar:

NM_001354604.2(MITF):c.1105C>T (p.Gln369Ter)

Gene: MITF (melanocyte inducing transcription factor; plus strand). Cytogenetic location: 3p13.
Variant type: single nucleotide variant.
Coding change: c.1105C>T on transcript NM_001354604.2 (MANE Select); coding-DNA position 1105, C replaced by T.
Protein change: p.Gln369Ter; replaces glutamine 369 with a stop codon.
Molecular consequence: nonsense.
Genome position (GRCh38, 1-based): chr3:69,959,346, C>T. VCF-style: chr3-69959346-C-T. GRCh37 (hg19) VCF-style: chr3-70008497-C-T.
Other names: c.784C>T, p.Gln262Ter (NM_000248.4); c.931C>T, p.Gln311Ter (NM_001184967.2, NM_001354608.2); c.1102C>T, p.Gln368Ter (NM_001354605.2); c.1084C>T, p.Gln362Ter (NM_001354606.2, NM_006722.3); c.1036C>T, p.Gln346Ter (NM_001354607.2); c.766C>T, p.Gln256Ter (NM_198158.3); c.1087C>T, p.Gln363Ter (NM_198159.3); c.1039C>T, p.Gln347Ter (NM_198177.3); and 1 more; short protein forms Q200*, Q256*, Q262*, Q311*, Q346*, Q347*, Q362*, Q363*.
Identifiers: ClinVar variation 3601274 (VCV003601274.1).

ClinVar aggregate classification (germline): Pathogenic (1 of 4 stars; one submission).

Conditions:
Waardenburg syndrome type 2A (WS2A). Also called: WAARDENBURG SYNDROME WITHOUT DYSTOPIA CANTHORUM. Identifiers: Orphanet 3440, MedGen C1860339, MONDO:0008671, OMIM 193510.

Submission:

Institute of Rare Diseases, West China Hospital, Sichuan University
Classification: Pathogenic for Waardenburg syndrome type 2A. Last evaluated: 2025-01-09. Review status: criteria provided, single submitter. Criteria: ClinGen HL ACMG Specifications v1. Collection method: research. Allele origin: germline. Affected: yes.
Comment: PM1;PVS1;PP1;PM2_Supporting